The following is an entry in ClinVar:

NM_001035.3(RYR2):c.6713C>T (p.Thr2238Ile)

Gene: RYR2 (ryanodine receptor 2; plus strand). Cytogenetic location: 1q43.
Variant type: single nucleotide variant.
Coding change: c.6713C>T on transcript NM_001035.3 (MANE Select); coding-DNA position 6713, C replaced by T.
Protein change: p.Thr2238Ile; replaces threonine 2238 with isoleucine.
Molecular consequence: missense variant.
Genome position (GRCh38, 1-based): chr1:237,634,913, C>T. VCF-style: chr1-237634913-C-T. GRCh37 (hg19) VCF-style: chr1-237798213-C-T.
Other names: short protein forms T2238I.
Identifiers: ClinVar variation 1371664 (VCV001371664.7), dbSNP rs2148707248, ClinGen allele CA345394542.

ClinVar aggregate classification (germline): Uncertain significance (1 of 4 stars; one submission).

Conditions:
Catecholaminergic polymorphic ventricular tachycardia 1. Also called: VENTRICULAR TACHYCARDIA, STRESS-INDUCED POLYMORPHIC 1; VENTRICULAR TACHYCARDIA, CATECHOLAMINERGIC POLYMORPHIC, 1, WITH OR WITHOUT ATRIAL DYSFUNCTION AND/OR DILATED CARDIOMYOPATHY; RYR2-Related Catecholaminergic Polymorphic Ventricular Tachycardia. Identifiers: Orphanet 3286, MedGen C1631597, MONDO:0011484, OMIM 604772.

Submission:

Labcorp Genetics (formerly Invitae), Labcorp
Classification: Uncertain significance for Catecholaminergic polymorphic ventricular tachycardia 1. Last evaluated: 2021-08-02. Review status: criteria provided, single submitter. Criteria: Invitae Variant Classification Sherloc (09022015). Collection method: clinical testing. Allele origin: germline.
Comment: Advanced modeling of protein sequence and biophysical properties (such as structural, functional, and spatial information, amino acid conservation, physicochemical variation, residue mobility, and thermodynamic stability) performed at Invitae indicates that this missense variant is expected to disrupt RYR2 protein function. In summary, the available evidence is currently insufficient to determine the role of this variant in disease. Therefore, it has been classified as a Variant of Uncertain Significance. This sequence change replaces threonine with isoleucine at codon 2238 of the RYR2 protein (p.Thr2238Ile). The threonine residue is highly conserved and there is a moderate physicochemical difference between threonine and isoleucine. This variant is not present in population databases (ExAC no frequency). This variant has not been reported in the literature in individuals affected with RYR2-related conditions.